The following is an entry in ClinVar:

ClinVar aggregate classification (germline): Uncertain significance (1 of 4 stars; one submission).

Conditions:
Ullrich congenital muscular dystrophy 2 (UCMD2). Identifiers: Orphanet 75840, MedGen C4225314, MONDO:0014654, OMIM 616470.
Bethlem myopathy 2 (BTHLM2). Identifiers: Orphanet 536516, Orphanet 610, MedGen C4225313, MONDO:0034022, OMIM 616471.

gnomAD v4.1: 6 of 1,578,494 alleles (0.00038%); highest among the groups gnomAD compares: Non-Finnish European, 0.00051%; no homozygotes.

Submission:

Labcorp Genetics (formerly Invitae), Labcorp
Classification: Uncertain significance for Bethlem myopathy 2; Ullrich congenital muscular dystrophy 2. Last evaluated: 2023-09-01. Review status: criteria provided, single submitter. Criteria: Invitae Variant Classification Sherloc (09022015). Collection method: clinical testing. Allele origin: germline.
Comment: This variant is not present in population databases (gnomAD no frequency). This sequence change affects codon 1798 of the COL12A1 mRNA. It is a 'silent' change, meaning that it does not change the encoded amino acid sequence of the COL12A1 protein. This variant also falls at the last nucleotide of exon 31, which is part of the consensus splice site for this exon. This variant has not been reported in the literature in individuals affected with COL12A1-related conditions. In summary, the available evidence is currently insufficient to determine the role of this variant in disease. Therefore, it has been classified as a Variant of Uncertain Significance. Variants that disrupt the consensus splice site are a relatively common cause of aberrant splicing (PMID: 17576681, 9536098). Algorithms developed to predict the effect of sequence changes on RNA splicing suggest that this variant may disrupt the consensus splice site.

Literature cited by the submitters: PubMed 17576681; PubMed 9536098.

NM_004370.6(COL12A1):c.5394G>A (p.Thr1798=)

Gene: COL12A1 (collagen type XII alpha 1 chain; minus strand). Cytogenetic location: 6q13.
Variant type: single nucleotide variant.
Coding change: c.5394G>A on transcript NM_004370.6 (MANE Select); coding-DNA position 5394, G replaced by A.
Protein change: p.Thr1798=; no amino-acid change (threonine 1798 retained).
Molecular consequence: synonymous variant.
Genome position (GRCh38, 1-based): chr6:75,137,437, C>T on the plus strand (G>A on the coding strand, the complement: COL12A1 is on the minus strand). VCF-style: chr6-75137437-C-T. GRCh37 (hg19) VCF-style: chr6-75847153-C-T.
Other names: c.5394G>A, p.Thr1798= (NM_001424113.1); c.5373G>A, p.Thr1791= (NM_001424114.1); c.5121G>A, p.Thr1707= (NM_001424115.1); c.1902G>A, p.Thr634= (NM_001424116.1, NM_080645.3).
Identifiers: ClinVar variation 2951508 (VCV002951508.3), dbSNP rs1766672840, ClinGen allele CA450922273.
Genomic context (GRCh38, chr6:75,137,437, plus strand): 5'-AAAGAGTTTGAAGAGAAATGGTAGAATTAATCCAAGTTATAATTTTTATTAAAAAATTAC[C>T]GTTTGCTCATTGCCTTCCCCTGTGGAAGGCTGATAAGTGATCCTATATTTCTGCACACGA-3'
Protein context (NP_004361.3, residues 1788-1808): QPSTGEGNEQ[Thr1798=]TTIGGRQNSV